The following is an entry in ClinVar:

NM_000059.4(BRCA2):c.5176G>A (p.Glu1726Lys)

Gene: BRCA2 (BRCA2 DNA repair associated; plus strand). Cytogenetic location: 13q13.1.
Variant type: single nucleotide variant.
Coding change: c.5176G>A on transcript NM_000059.4 (MANE Select); coding-DNA position 5176, G replaced by A.
Protein change: p.Glu1726Lys; replaces glutamic acid 1726 with lysine.
Molecular consequence: missense variant. On other transcripts: non-coding transcript variant (1), intron variant (2).
Genome position (GRCh38, 1-based): chr13:32,339,531, G>A. VCF-style: chr13-32339531-G-A. GRCh37 (hg19) VCF-style: chr13-32913668-G-A.
Other names: c.5176G>A, p.Glu1726Lys (NM_001406719.1, NM_001406720.1, NM_001432077.1); c.1910-5027G>A (NM_001406721.1); c.425-5027G>A (NM_001406722.1); short protein forms E1726K.
Identifiers: ClinVar variation 4802309 (VCV004802309.1).

ClinVar aggregate classification (germline): Uncertain significance (1 of 4 stars; one submission).

Conditions:
Hereditary breast ovarian cancer syndrome. Also called: Hereditary breast and ovarian cancer syndrome (HBOC); Hereditary breast and ovarian cancer; Breast and ovarian cancer; Hereditary breast and/or ovarian cancer syndrome; BRCA1- and BRCA2-Associated Hereditary Breast and Ovarian Cancer; Hereditary breast and ovarian cancer syndrome. Identifiers: Orphanet 145, MedGen C0677776, MeSH D061325, MONDO:0003582. Disease mechanism: loss of function.

Submission:

Labcorp Genetics (formerly Invitae), Labcorp
Classification: Uncertain significance for Hereditary breast ovarian cancer syndrome. Last evaluated: 2025-07-18. Review status: criteria provided, single submitter. Criteria: Invitae Variant Classification Sherloc (09022015). Collection method: clinical testing. Allele origin: germline.
Comment: This sequence change replaces glutamic acid, which is acidic and polar, with lysine, which is basic and polar, at codon 1726 of the BRCA2 protein (p.Glu1726Lys). This variant is not present in population databases (gnomAD no frequency). This variant has not been reported in the literature in individuals affected with BRCA2-related conditions. Invitae Evidence Modeling of protein sequence and biophysical properties (such as structural, functional, and spatial information, amino acid conservation, physicochemical variation, residue mobility, and thermodynamic stability) indicates that this missense variant is not expected to disrupt BRCA2 protein function with a negative predictive value of 95%. In summary, the available evidence is currently insufficient to determine the role of this variant in disease. Therefore, it has been classified as a Variant of Uncertain Significance.